The following is an entry in ClinVar:

ClinVar aggregate classification (germline): Uncertain significance (1 of 4 stars; one submission).

gnomAD v4.1: 2 of 1,611,558 alleles (0.00012%); highest among the groups gnomAD compares: Non-Finnish European, 0.00017%; no homozygotes.

Submission:

Labcorp Genetics (formerly Invitae), Labcorp
Classification: Uncertain significance. Last evaluated: 2022-07-05. Review status: criteria provided, single submitter. Criteria: Invitae Variant Classification Sherloc (09022015). Collection method: clinical testing. Allele origin: germline.
Comment: ClinVar contains an entry for this variant (Variation ID: 1432481). This variant has not been reported in the literature in individuals affected with AGPS-related conditions. This variant is not present in population databases (gnomAD no frequency). This sequence change replaces aspartic acid, which is acidic and polar, with glycine, which is neutral and non-polar, at codon 473 of the AGPS protein (p.Asp473Gly). Algorithms developed to predict the effect of missense changes on protein structure and function (SIFT, PolyPhen-2, Align-GVGD) all suggest that this variant is likely to be tolerated. In summary, the available evidence is currently insufficient to determine the role of this variant in disease. Therefore, it has been classified as a Variant of Uncertain Significance. Algorithms developed to predict the effect of sequence changes on RNA splicing suggest that this variant may disrupt the consensus splice site.

NM_003659.4(AGPS):c.1418A>G (p.Asp473Gly)

Gene: AGPS (alkylglycerone phosphate synthase; plus strand). Cytogenetic location: 2q31.2.
Variant type: single nucleotide variant.
Coding change: c.1418A>G on transcript NM_003659.4 (MANE Select); coding-DNA position 1418, A replaced by G.
Protein change: p.Asp473Gly; replaces aspartic acid 473 with glycine.
Molecular consequence: missense variant.
Genome position (GRCh38, 1-based): chr2:177,499,673, A>G. VCF-style: chr2-177499673-A-G. GRCh37 (hg19) VCF-style: chr2-178364401-A-G.
Other names: short protein forms D473G.
Identifiers: ClinVar variation 1432481 (VCV001432481.6), dbSNP rs759052412, ClinGen allele CA60909809.